The following is an entry in ClinVar:

ClinVar aggregate classification (germline): Uncertain significance (1 of 4 stars; one submission).

Conditions:
Familial thoracic aortic aneurysm and aortic dissection (TAAD). Also called: Thoracic aortic aneurysms and dissections. Identifiers: Orphanet 91387, MedGen C4707243, MONDO:0019625.

Submission:

Labcorp Genetics (formerly Invitae), Labcorp
Classification: Uncertain significance for Familial thoracic aortic aneurysm and aortic dissection. Last evaluated: 2025-04-03. Review status: criteria provided, single submitter. Criteria: Invitae Variant Classification Sherloc (09022015). Collection method: clinical testing. Allele origin: germline.
Comment: This sequence change replaces glutamic acid, which is acidic and polar, with lysine, which is basic and polar, at codon 178 of the SMAD3 protein (p.Glu178Lys). This variant also falls at the last nucleotide of exon 3, which is part of the consensus splice site for this exon. This variant is not present in population databases (gnomAD no frequency). This variant has not been reported in the literature in individuals affected with SMAD3-related conditions. ClinVar contains an entry for this variant (Variation ID: 3725976). An algorithm developed to predict the effect of missense changes on protein structure and function (PolyPhen-2) suggests that this variant is likely to be tolerated. Variants that disrupt the consensus splice site are a relatively common cause of aberrant splicing (PMID: 17576681, 9536098). In summary, the available evidence is currently insufficient to determine the role of this variant in disease. Therefore, it has been classified as a Variant of Uncertain Significance.

Literature cited by the submitters: PubMed 17576681; PubMed 9536098.

NM_005902.4(SMAD3):c.532G>A (p.Glu178Lys)

Gene: SMAD3 (SMAD family member 3; plus strand). Cytogenetic location: 15q22.33.
Variant type: single nucleotide variant.
Coding change: c.532G>A on transcript NM_005902.4 (MANE Select); coding-DNA position 532, G replaced by A.
Protein change: p.Glu178Lys; replaces glutamic acid 178 with lysine.
Molecular consequence: missense variant. On other transcripts: intron variant (2).
Genome position (GRCh38, 1-based): chr15:67,165,384, G>A. VCF-style: chr15-67165384-G-A. GRCh37 (hg19) VCF-style: chr15-67457722-G-A.
Other names: c.217G>A, p.Glu73Lys (NM_001145102.2, NM_001407016.1); c.400G>A, p.Glu134Lys (NM_001145103.2); c.532G>A, p.Glu178Lys (NM_001407011.1, NM_001407013.1); c.385G>A, p.Glu129Lys (NM_001407014.1); c.400+296G>A (NM_001407012.1); c.85+296G>A (NM_001407015.1); short protein forms E134K, E73K, E178K, E129K.
Identifiers: ClinVar variation 3725976 (VCV003725976.2).